The following is an entry in ClinVar:

NM_017841.4(SDHAF2):c.343G>T (p.Asp115Tyr)

Gene: SDHAF2 (succinate dehydrogenase complex assembly factor 2; plus strand). Cytogenetic location: 11q12.2.
Variant type: single nucleotide variant.
Coding change: c.343G>T on transcript NM_017841.4 (MANE Select); coding-DNA position 343, G replaced by T.
Protein change: p.Asp115Tyr; replaces aspartic acid 115 with tyrosine.
Molecular consequence: missense variant.
Genome position (GRCh38, 1-based): chr11:61,438,086, G>T. VCF-style: chr11-61438086-G-T. GRCh37 (hg19) VCF-style: chr11-61205558-G-T.
Other names: short protein forms D115Y.
Identifiers: ClinVar variation 4161213 (VCV004161213.1).

ClinVar aggregate classification (germline): Uncertain significance (1 of 4 stars; one submission).

Conditions:
Hereditary cancer-predisposing syndrome. Also called: Neoplastic Syndromes, Hereditary; Tumor predisposition; Hereditary Cancer Syndrome; Hereditary neoplastic syndrome. Identifiers: Orphanet 140162, MedGen C0027672, MeSH D009386, MONDO:0015356.

Submission:

Ambry Genetics
Classification: Uncertain significance for Hereditary cancer-predisposing syndrome. Last evaluated: 2025-08-31. Review status: criteria provided, single submitter. Criteria: Ambry Variant Classification Scheme 2023. Collection method: clinical testing. Allele origin: germline.
Comment: The p.D115Y variant (also known as c.343G>T), located in coding exon 3 of the SDHAF2 gene, results from a G to T substitution at nucleotide position 343. The aspartic acid at codon 115 is replaced by tyrosine, an amino acid with highly dissimilar properties. This amino acid position is conserved. In addition, this alteration is predicted to be deleterious by in silico analysis. Based on the available evidence, the clinical significance of this variant remains unclear.